The following is an entry in ClinVar:

ClinVar aggregate classification (germline): Pathogenic (1 of 4 stars; one submission).

Submission:

Labcorp Genetics (formerly Invitae), Labcorp
Classification: Pathogenic. Last evaluated: 2024-10-06. Review status: criteria provided, single submitter. Criteria: Invitae Variant Classification Sherloc (09022015). Collection method: clinical testing. Allele origin: germline.
Comment: This sequence change creates a premature translational stop signal (p.Asp273Alafs*53) in the ACO2 gene. It is expected to result in an absent or disrupted protein product. Loss-of-function variants in ACO2 are known to be pathogenic (PMID: 30689204, 32519519). This variant is not present in population databases (gnomAD no frequency). This variant has not been reported in the literature in individuals affected with ACO2-related conditions. For these reasons, this variant has been classified as Pathogenic.

Literature cited by the submitters: PubMed 30689204; PubMed 32519519.

NM_001098.3(ACO2):c.802_817dup (p.Asp273fs)

Gene: ACO2 (aconitase 2; plus strand). Cytogenetic location: 22q13.2.
Variant type: Duplication.
Coding change: c.802_817dup on transcript NM_001098.3 (MANE Select); coding-DNA positions 802 to 817, 16 bases duplicated (CACGGGCCTGGTGTAG).
Protein change: p.Asp273fs; shifts the reading frame from aspartic acid 273.
Molecular consequence: frameshift variant.
Genome position (GRCh38, 1-based): chr22:41,515,884-41,515,899, CACGGGCCTGGTGTAG duplicated. VCF-style (leftmost placement, unchanged base first): chr22-41515883-C-CCACGGGCCTGGTGTAG. GRCh37 (hg19) VCF-style: chr22-41911887-C-CCACGGGCCTGGTGTAG.
Other names: short protein forms D273fs.
Identifiers: ClinVar variation 3658124 (VCV003658124.2).